The following is an entry in ClinVar:

NM_080916.3(DGUOK):c.197A>T (p.His66Leu)

Gene: DGUOK (deoxyguanosine kinase; plus strand). Cytogenetic location: 2p13.1.
Variant type: single nucleotide variant.
Coding change: c.197A>T on transcript NM_080916.3 (MANE Select); coding-DNA position 197, A replaced by T.
Protein change: p.His66Leu; replaces histidine 66 with leucine.
Molecular consequence: missense variant. On other transcripts: intron variant (4).
Genome position (GRCh38, 1-based): chr2:73,938,964, A>T. VCF-style: chr2-73938964-A-T. GRCh37 (hg19) VCF-style: chr2-74166091-A-T.
Other names: c.197A>T, p.His66Leu (NM_001318859.2, NM_080918.3); c.-37+6281A>T (NM_001318861.2, NM_001318862.2); c.-36-7755A>T (NM_001318860.2, NM_001318863.2); short protein forms H66L.
Identifiers: ClinVar variation 1990693 (VCV001990693.1), dbSNP rs906420974, ClinGen allele CA50404344.
Genomic context (GRCh38, chr2:73,938,964, plus strand): 5'-TTGCAGCTGTGGGAAAGTCCACGTTTGTGAAGTTACTCACGAAAACTTACCCAGAATGGC[A>T]CGTAGCTACAGAACCTGTAGCAACATGGCAGAATATCCAGGCTGCTGGCACCCAAAAAGT-3'
Protein context (NP_550438.1, residues 56-76): KLLTKTYPEW[His66Leu]VATEPVATWQ

ClinVar aggregate classification (germline): Uncertain significance (1 of 4 stars; one submission).

Allele frequency attached by ClinVar (database versions not stated): TOPMed below 0.00001; gnomAD exomes 0.00002.

Submission:

Labcorp Genetics (formerly Invitae), Labcorp
Classification: Uncertain significance. Last evaluated: 2022-05-25. Review status: criteria provided, single submitter. Criteria: Invitae Variant Classification Sherloc (09022015). Collection method: clinical testing. Allele origin: germline.
Comment: This sequence change replaces histidine, which is basic and polar, with leucine, which is neutral and non-polar, at codon 66 of the DGUOK protein (p.His66Leu). This variant is not present in population databases (gnomAD no frequency). This variant has not been reported in the literature in individuals affected with DGUOK-related conditions. Algorithms developed to predict the effect of missense changes on protein structure and function (SIFT, PolyPhen-2, Align-GVGD) all suggest that this variant is likely to be tolerated. In summary, the available evidence is currently insufficient to determine the role of this variant in disease. Therefore, it has been classified as a Variant of Uncertain Significance.